The following is an entry in ClinVar:

ClinVar aggregate classification (germline): Pathogenic. Review status: criteria provided, single submitter (1 of 4 stars). 2 submissions from 2 submitters: Pathogenic (1). 1 of the submissions does not count toward it.

Conditions:
Cystinuria (CSNU). Also called: Cystinuria, non-type I; CYSTINURIA, TYPE I; CYSTINURIA, TYPE II; CYSTINURIA, TYPE III. Identifiers: Orphanet 214, MedGen C0010691, MONDO:0009067, OMIM 220100, HP:0003131.

Submissions (2):

Juno Genomics, Hangzhou Juno Genomics, Inc
Classification: Pathogenic for Cystinuria. Review status: criteria provided, single submitter. Criteria: ACMG Guidelines, 2015. Collection method: clinical testing. Allele origin: germline.
Comment: Absent from controls (or at extremely low frequency if recessive) in Genome Aggregation Database.;Null variant in a gene where loss of function (LOF) is a known mechanism of disease.;For recessive disorders, detected in trans with a pathogenic variant.;Patient's phenotype or family history is highly specific for a disease with a single genetic etiology.

Chinese Inherited Urolithiasis Consortium, The Affiliated Yantai Yuhuangding Hospital of Qingdao University
Classification: Pathogenic for Cystinuria. Last evaluated: 2024-08-26. Review status: no assertion criteria provided. Collection method: clinical testing. Allele origin: maternal. Affected: yes. Observed: 1 variant allele. Not counted in ClinVar's aggregate classification.

NM_000341.4(SLC3A1):c.163C>T (p.Gln55Ter)

Gene: SLC3A1 (solute carrier family 3 member 1; plus strand). Cytogenetic location: 2p21.
Variant type: single nucleotide variant.
Coding change: c.163C>T on transcript NM_000341.4 (MANE Select); coding-DNA position 163, C replaced by T.
Protein change: p.Gln55Ter; replaces glutamine 55 with a stop codon.
Molecular consequence: nonsense.
Genome position (GRCh38, 1-based): chr2:44,275,698, C>T. VCF-style: chr2-44275698-C-T. GRCh37 (hg19) VCF-style: chr2-44502837-C-T.
Other names: short protein forms Q55*.
Identifiers: ClinVar variation 3359201 (VCV003359201.5).